The following is an entry in ClinVar:

NM_015909.4(NBAS):c.1988A>C (p.Gln663Pro)

Gene: NBAS (NBAS subunit of NRZ tethering complex; minus strand). Cytogenetic location: 2p24.3.
Variant type: single nucleotide variant.
Coding change: c.1988A>C on transcript NM_015909.4 (MANE Select); coding-DNA position 1988, A replaced by C.
Protein change: p.Gln663Pro; replaces glutamine 663 with proline.
Molecular consequence: missense variant. On other transcripts: non-coding transcript variant (1).
Genome position (GRCh38, 1-based): chr2:15,467,694, T>G on the plus strand (A>C on the coding strand, the complement: NBAS is on the minus strand). VCF-style: chr2-15467694-T-G. GRCh37 (hg19) VCF-style: chr2-15607818-T-G.
Other names: short protein forms Q663P.
Identifiers: ClinVar variation 1365836 (VCV001365836.8), dbSNP rs2148572719, ClinGen allele CA345882795.

ClinVar aggregate classification (germline): Uncertain significance (1 of 4 stars; one submission).

Submission:

Labcorp Genetics (formerly Invitae), Labcorp
Classification: Uncertain significance. Last evaluated: 2022-07-18. Review status: criteria provided, single submitter. Criteria: Invitae Variant Classification Sherloc (09022015). Collection method: clinical testing. Allele origin: germline.
Comment: This sequence change replaces glutamine, which is neutral and polar, with proline, which is neutral and non-polar, at codon 663 of the NBAS protein (p.Gln663Pro). This variant is not present in population databases (gnomAD no frequency). This variant has not been reported in the literature in individuals affected with NBAS-related conditions. ClinVar contains an entry for this variant (Variation ID: 1365836). Algorithms developed to predict the effect of missense changes on protein structure and function are either unavailable or do not agree on the potential impact of this missense change (SIFT: "Deleterious"; PolyPhen-2: "Benign"; Align-GVGD: "Class C65"). In summary, the available evidence is currently insufficient to determine the role of this variant in disease. Therefore, it has been classified as a Variant of Uncertain Significance.